The following is an entry in ClinVar:

ClinVar aggregate classification (germline): Uncertain significance (1 of 4 stars; one submission).

Conditions:
Cardiovascular phenotype. Identifiers: MedGen CN230736.

gnomAD v4.1: 1 of 1,612,486 alleles (0.000062%); highest among the groups gnomAD compares: Non-Finnish European, 0.000085%; no homozygotes.

Submission:

Ambry Genetics
Classification: Uncertain significance for Cardiovascular phenotype. Last evaluated: 2024-11-25. Review status: criteria provided, single submitter. Criteria: Ambry Variant Classification Scheme 2023. Collection method: clinical testing. Allele origin: germline.
Comment: The p.D388Y variant (also known as c.1162G>T), located in coding exon 8 of the CBL gene, results from a G to T substitution at nucleotide position 1162. The aspartic acid at codon 388 is replaced by tyrosine, an amino acid with highly dissimilar properties. This amino acid position is conserved. In addition, this alteration is predicted to be deleterious by in silico analysis. Based on the available evidence, the clinical significance of this variant remains unclear.

NM_005188.4(CBL):c.1162G>T (p.Asp388Tyr)

Gene: CBL (Cbl proto-oncogene; plus strand). Cytogenetic location: 11q23.3.
Variant type: single nucleotide variant.
Coding change: c.1162G>T on transcript NM_005188.4 (MANE Select); coding-DNA position 1162, G replaced by T.
Protein change: p.Asp388Tyr; replaces aspartic acid 388 with tyrosine.
Molecular consequence: missense variant.
Genome position (GRCh38, 1-based): chr11:119,278,232, G>T. VCF-style: chr11-119278232-G-T. GRCh37 (hg19) VCF-style: chr11-119148942-G-T.
Other names: short protein forms D388Y.
Identifiers: ClinVar variation 3485617 (VCV003485617.1).